The following is an entry in ClinVar:

ClinVar aggregate classification (germline): Uncertain significance (1 of 4 stars; one submission).

Allele frequency attached by ClinVar (database versions not stated): gnomAD exomes 0.00001.
gnomAD v4.1: 8 of 1,614,036 alleles (0.0005%); highest among the groups gnomAD compares: East Asian, 0.0022%; no homozygotes.

Submission:

Labcorp Genetics (formerly Invitae), Labcorp
Classification: Uncertain significance. Last evaluated: 2025-05-06. Review status: criteria provided, single submitter. Criteria: Invitae Variant Classification Sherloc (09022015). Collection method: clinical testing. Allele origin: germline.
Comment: This sequence change affects a donor splice site in intron 9 of the FBLN5 gene. It is expected to disrupt RNA splicing. Variants that disrupt the donor or acceptor splice site typically lead to a loss of protein function (PMID: 16199547), however the current clinical and genetic evidence is not sufficient to establish whether loss-of-function variants in FBLN5 cause disease. This variant is not present in population databases (gnomAD no frequency). This variant has not been reported in the literature in individuals affected with FBLN5-related conditions. ClinVar contains an entry for this variant (Variation ID: 1957921). Algorithms developed to predict the effect of sequence changes on RNA splicing suggest that this variant may disrupt the consensus splice site. In summary, the available evidence is currently insufficient to determine the role of this variant in disease. Therefore, it has been classified as a Variant of Uncertain Significance.

Literature cited by the submitters: PubMed 16199547.

NM_006329.4(FBLN5):c.989+2T>C

Gene: FBLN5 (fibulin 5; minus strand). Cytogenetic location: 14q32.12.
Variant type: single nucleotide variant.
Coding change: c.989+2T>C on transcript NM_006329.4 (MANE Select); the canonical splice donor site of the intron after coding-DNA position 989, T replaced by C.
Molecular consequence: splice donor variant.
Genome position (GRCh38, 1-based): chr14:91,881,290, A>G on the plus strand (T>C on the coding strand, the complement: FBLN5 is on the minus strand). VCF-style: chr14-91881290-A-G. GRCh37 (hg19) VCF-style: chr14-92347634-A-G.
Other names: c.989+2T>C (NM_001384160.1); c.1112+2T>C (NM_001384158.1); c.821+2T>C (NM_001384162.1, NM_001384161.1); c.1040+2T>C (NM_001384159.1).
Identifiers: ClinVar variation 1957921 (VCV001957921.5), dbSNP rs2542764792, ClinGen allele CA390641784.